The following is an entry in ClinVar:

ClinVar aggregate classification (germline): Uncertain significance (1 of 4 stars; one submission).

Submission:

Clinical Genomics Laboratory, Laboratory for Precision Diagnostics, University of Washington
Classification: Uncertain significance. Last evaluated: 2017-07-24. Review status: criteria provided, single submitter. Criteria: Clinical Cytogenomics Laboratory Policy on CNV Interpretation. Collection method: clinical testing. Allele origin: paternal. Affected: yes. Observed: 1 variant allele.

Literature cited by the submitters: PubMed 27853923; PubMed 26095975; PubMed 20506139.

GRCh37/hg19 15q13.3(chr15:32018731-32514341)x3

Gene: CHRNA7 (cholinergic receptor nicotinic alpha 7 subunit). Cytogenetic location: 15q13.3.
Variant type: copy number gain.
Change: copy number 3 (three copies instead of two) of chr15:32,018,731-32,514,341 (495.6 kb, GRCh37 coordinates, 1-based), cytogenetic band 15q13.3.
Identifiers: ClinVar variation 503577 (VCV000503577.3).